The following is an entry in ClinVar:

NM_000038.6(APC):c.1408+1697A>G

Gene: APC (APC regulator of WNT signaling pathway; plus strand). Cytogenetic location: 5q22.2.
Variant type: single nucleotide variant.
Coding change: c.1408+1697A>G on transcript NM_000038.6 (MANE Select); 1697 bases into the intron after coding-DNA position 1408, A replaced by G.
Molecular consequence: intron variant.
Genome position (GRCh38, 1-based): chr5:112,823,688, A>G. VCF-style: chr5-112823688-A-G. GRCh37 (hg19) VCF-style: chr5-112159385-A-G.
Other names: c.1408+1697A>G (NM_001354895.2, NM_001127510.3); c.1438+1697A>G (NM_001354897.2); c.1135+1697A>G (NM_001354902.2); c.1354+1697A>G (NM_001127511.3); c.1333+1697A>G (NM_001354898.2); c.1030+1697A>G (NM_001354904.2); c.559+1697A>G (NM_001354906.2); c.1462+328A>G (NM_001354896.2); and 5 more.
Identifiers: ClinVar variation 83139 (VCV000083139.2), dbSNP rs2545160, ClinGen allele CA004902.

ClinVar aggregate classification (germline): other (0 of 4 stars; one submission).

Conditions:
Familial colorectal cancer. Identifiers: MedGen CN280943, MONDO:0023113. Disease mechanism: loss of function.

Allele frequency attached by ClinVar (database versions not stated): gnomAD 0.98079 and 0.98126; TOPMed 0.98207; 1000 Genomes Project 30x 0.99063; 1000 Genomes Project 0.99101.
gnomAD v4.1: 149,443 of 152,322 alleles (98%); highest among the groups gnomAD compares: East Asian, 100%; 73,317 homozygotes.

Submission:

Systems Biology Platform Zhejiang California International NanoSystems Institute
Classification: other for Familial colorectal cancer. Review status: no assertion criteria provided. Collection method: not provided. Allele origin: unknown.
ClinVar note: Converted during submission from cancer to other.